The following is an entry in ClinVar:

NM_004006.3(DMD):c.602A>T (p.Asn201Ile)

Gene: DMD (dystrophin; minus strand). Cytogenetic location: Xp21.1.
Variant type: single nucleotide variant.
Coding change: c.602A>T on transcript NM_004006.3 (MANE Select); coding-DNA position 602, A replaced by T.
Protein change: p.Asn201Ile; replaces asparagine 201 with isoleucine.
Molecular consequence: missense variant.
Genome position (GRCh38, 1-based): chrX:32,809,540, T>A on the plus strand (A>T on the coding strand, the complement: DMD is on the minus strand). VCF-style: chrX-32809540-T-A. GRCh37 (hg19) VCF-style: chrX-32827657-T-A.
Other names: c.578A>T, p.Asn193Ile (NM_000109.4); c.590A>T, p.Asn197Ile (NM_004009.3); c.233A>T, p.Asn78Ile (NM_004010.3); short protein forms N201I, N197I, N193I, N78I.
Identifiers: ClinVar variation 1352618 (VCV001352618.7), dbSNP rs1030277417, ClinGen allele CA328573453.

ClinVar aggregate classification (germline): Uncertain significance. Review status: criteria provided, multiple submitters, no conflicts (2 of 4 stars). 2 submissions from 2 submitters: Uncertain significance (2). Last evaluated 2025-10-07.

Conditions:
Duchenne muscular dystrophy (DMD). Also called: MUSCULAR DYSTROPHY, PSEUDOHYPERTROPHIC PROGRESSIVE, DUCHENNE TYPE; Duchenne Muscular Dystrophy (DMD). Identifiers: Orphanet 98896, MedGen C0013264, MONDO:0010679, OMIM 310200.
Cardiovascular phenotype. Identifiers: MedGen CN230736.

Allele frequency attached by ClinVar (database versions not stated): gnomAD 0.00001; TOPMed 0.00002.
gnomAD v4.1: 1 of 1,209,369 alleles (0.000083%); highest among the groups gnomAD compares: African/African-American, 0.0018%; no homozygotes.

Submissions (2):

Labcorp Genetics (formerly Invitae), Labcorp
Classification: Uncertain significance for Duchenne muscular dystrophy. Last evaluated: 2025-10-07. Review status: criteria provided, single submitter. Criteria: Invitae Variant Classification Sherloc (09022015). Collection method: clinical testing. Allele origin: germline.
Comment: This sequence change replaces asparagine, which is neutral and polar, with isoleucine, which is neutral and non-polar, at codon 201 of the DMD protein (p.Asn201Ile). This variant is not present in population databases (gnomAD no frequency). This variant has not been reported in the literature in individuals affected with DMD-related conditions. ClinVar contains an entry for this variant (Variation ID: 1352618). Invitae Evidence Modeling of protein sequence and biophysical properties (such as structural, functional, and spatial information, amino acid conservation, physicochemical variation, residue mobility, and thermodynamic stability) indicates that this missense variant is not expected to disrupt DMD protein function with a negative predictive value of 95%. In summary, the available evidence is currently insufficient to determine the role of this variant in disease. Therefore, it has been classified as a Variant of Uncertain Significance.

Ambry Genetics
Classification: Uncertain significance for Cardiovascular phenotype. Last evaluated: 2019-06-12. Review status: criteria provided, single submitter. Criteria: Ambry Variant Classification Scheme 2023. Collection method: clinical testing. Allele origin: germline.
Comment: The p.N201I variant (also known as c.602A>T), located in coding exon 7 of the DMD gene, results from an A to T substitution at nucleotide position 602. The asparagine at codon 201 is replaced by isoleucine, an amino acid with dissimilar properties. This amino acid position is well conserved in available vertebrate species. In addition, the in silico prediction for this alteration is inconclusive. Since supporting evidence is limited at this time, the clinical significance of this alteration remains unclear.